The following is an entry in ClinVar:

NM_001458.5(FLNC):c.6560G>A (p.Arg2187His)

Genes: FLNC (filamin C; plus strand), FLNC-AS1 (FLNC antisense RNA 1; minus strand). Cytogenetic location: 7q32.1.
Variant type: single nucleotide variant.
Coding change: c.6560G>A on transcript NM_001458.5 (MANE Select); coding-DNA position 6560, G replaced by A.
Protein change: p.Arg2187His; replaces arginine 2187 with histidine.
Molecular consequence: missense variant.
Genome position (GRCh38, 1-based): chr7:128,854,049, G>A. VCF-style: chr7-128854049-G-A. GRCh37 (hg19) VCF-style: chr7-128494103-G-A.
Other names: c.6461G>A, p.Arg2154His (NM_001127487.2); short protein forms R2154H, R2187H.
Identifiers: ClinVar variation 1927324 (VCV001927324.8), dbSNP rs1808941275, ClinGen allele CA369212821.

ClinVar aggregate classification (germline): Uncertain significance. Review status: criteria provided, multiple submitters, no conflicts (2 of 4 stars). 3 submissions from 3 submitters: Uncertain significance (3). Last evaluated 2025-10-29.

Conditions:
Cardiovascular phenotype. Identifiers: MedGen CN230736.
Myofibrillar myopathy 5. Also called: FILAMINOPATHY, AUTOSOMAL DOMINANT; Filaminopathy (type). Identifiers: Orphanet 171445, MedGen C1836050, MONDO:0012289, OMIM 609524.
Distal myopathy with posterior leg and anterior hand involvement. Also called: WILLIAMS DISTAL MYOPATHY. Identifiers: Orphanet 63273, MedGen C3279722, MONDO:0013550, OMIM 614065.
Hypertrophic cardiomyopathy 26. Also called: Cardiomyopathy, familial hypertrophic, 26. Identifiers: Orphanet 75249, MedGen C4310749, MONDO:0014883, OMIM 617047.

Allele frequency attached by ClinVar (database versions not stated): TOPMed below 0.00001.
gnomAD v4.1: 1 of 1,613,158 alleles (0.000062%); highest among the groups gnomAD compares: Non-Finnish European, 0.000085%; no homozygotes.

Submissions (3):

Labcorp Genetics (formerly Invitae), Labcorp
Classification: Uncertain significance for Distal myopathy with posterior leg and anterior hand involvement; Myofibrillar myopathy 5; Hypertrophic cardiomyopathy 26. Last evaluated: 2025-10-29. Review status: criteria provided, single submitter. Criteria: Invitae Variant Classification Sherloc (09022015). Collection method: clinical testing. Allele origin: germline.
Comment: This sequence change replaces arginine, which is basic and polar, with histidine, which is basic and polar, at codon 2187 of the FLNC protein (p.Arg2187His). This variant is not present in population databases (gnomAD no frequency). This variant has not been reported in the literature in individuals affected with FLNC-related conditions. ClinVar contains an entry for this variant (Variation ID: 1927324). An algorithm developed to predict the effect of missense changes on protein structure and function (PolyPhen-2) suggests that this variant is likely to be tolerated. In summary, the available evidence is currently insufficient to determine the role of this variant in disease. Therefore, it has been classified as a Variant of Uncertain Significance.

Dasa
Classification: Uncertain significance. Last evaluated: 2025-05-14. Review status: criteria provided, single submitter. Criteria: DASA Assertion Criteria. Collection method: clinical testing. Allele origin: germline.
Comment: NM_001458.5(FLNC):c.6560G>A (p.Arg2187His) is a missense variant that results in the substitution of arginine with histidine. This variant is rare in population databases. The currently available literature and clinical evidence are not sufficient to establish a definitive association between this variant and the reported condition. Therefore, this variant is classified as a variant of uncertain significance.

Ambry Genetics
Classification: Uncertain significance for Cardiovascular phenotype. Last evaluated: 2023-09-30. Review status: criteria provided, single submitter. Criteria: Ambry Variant Classification Scheme 2023. Collection method: clinical testing. Allele origin: germline.
Comment: The p.R2187H variant (also known as c.6560G>A), located in coding exon 40 of the FLNC gene, results from a G to A substitution at nucleotide position 6560. The arginine at codon 2187 is replaced by histidine, an amino acid with highly similar properties. This amino acid position is conserved. In addition, the in silico prediction for this alteration is inconclusive. Since supporting evidence is limited at this time, the clinical significance of this alteration remains unclear.